The following is an entry in ClinVar:

ClinVar aggregate classification (germline): Benign. Review status: criteria provided, multiple submitters, no conflicts (2 of 4 stars). 4 submissions from 4 submitters: Benign (4). Last evaluated 2026-02-03.

Conditions:
Retinitis pigmentosa (RP). Identifiers: Orphanet 791, MedGen C0035334, MeSH D012174, MONDO:0019200, OMIM 268000. Inheritance: Autosomal dominant, autosomal recessive and X linked inheritance.

Allele frequency attached by ClinVar (database versions not stated): 1000 Genomes Project 30x 0.05918; TOPMed 0.06642; gnomAD 0.06647 and 0.06996; ESP Exome Variant Server 0.06978; gnomAD exomes 0.03891; ExAC 0.04033; 1000 Genomes Project 0.05671.
gnomAD v4.1: 67,750 of 1,613,736 alleles (4.2%); highest among the groups gnomAD compares: African/African-American, 14%; 1,910 homozygotes.

Submissions (4):

Labcorp Genetics (formerly Invitae), Labcorp
Classification: Benign. Last evaluated: 2026-02-03. Review status: criteria provided, single submitter. Criteria: Invitae Variant Classification Sherloc (09022015). Collection method: clinical testing. Allele origin: germline.

Illumina Laboratory Services, Illumina
Classification: Benign for Retinitis pigmentosa. Last evaluated: 2018-01-13. Review status: criteria provided, single submitter. Criteria: ICSL Variant Classification Criteria 13 December 2019. Collection method: clinical testing. Allele origin: germline.
Comment: This variant was observed in the ICSL laboratory as part of a predisposition screen in an ostensibly healthy population. It had not been previously curated by ICSL or reported in the Human Gene Mutation Database (HGMD: prior to June 1st, 2018), and was therefore a candidate for classification through an automated scoring system. Utilizing variant allele frequency, disease prevalence and penetrance estimates, and inheritance mode, an automated score was calculated to assess if this variant is too frequent to cause the disease. Based on the score and internal cut-off values, a variant classified as benign is not then subjected to further curation. The score for this variant resulted in a classification of benign for this disease.

Eurofins Ntd Llc (ga)
Classification: Benign. Last evaluated: 2014-07-30. Review status: criteria provided, single submitter. Criteria: EGL Classification Definitions 2015. Collection method: clinical testing. Allele origin: germline. Observed: 3 variant alleles, 3 heterozygotes.

Breakthrough Genomics
Classification: Benign. Review status: criteria provided, single submitter. Criteria: ACMG Guidelines, 2015. Collection method: not provided. Allele origin: germline. Inheritance: Unknown mechanism. Affected: yes.

NM_001029883.3(PCARE):c.3668+14T>C

Gene: PCARE (photoreceptor cilium actin regulator; minus strand). Cytogenetic location: 2p23.2.
Variant type: single nucleotide variant.
Coding change: c.3668+14T>C on transcript NM_001029883.3 (MANE Select); 14 bases into the intron after coding-DNA position 3668, T replaced by C.
Molecular consequence: intron variant.
Genome position (GRCh38, 1-based): chr2:29,070,580, A>G on the plus strand (T>C on the coding strand, the complement: PCARE is on the minus strand). VCF-style: chr2-29070580-A-G. GRCh37 (hg19) VCF-style: chr2-29293446-A-G.
Identifiers: ClinVar variation 193133 (VCV000193133.18), dbSNP rs72861052, ClinGen allele CA200346.
Genomic context (GRCh38, chr2:29,070,580, plus strand): 5'-ATCTTTTGGCCCATTCGCTCTGTTCCTCTCTAGTCCAAGCCGCTGAAGGGCAGTGACCCC[A>G]GGACACTCCTTACCTGTTCTGGCCGAGCTGGGATTCATAAGAGGTGCTGGTGGGGTCCAA-3'